The following is an entry in ClinVar:

ClinVar aggregate classification (germline): Likely benign. Review status: criteria provided, multiple submitters, no conflicts (2 of 4 stars). 2 submissions from 2 submitters: Likely benign (2). Last evaluated 2025-12-01.

Conditions:
Autosomal recessive limb-girdle muscular dystrophy type 2J (LGMDR10). Also called: Limb-girdle muscular dystrophy, type 2J; MUSCULAR DYSTROPHY, LIMB-GIRDLE, AUTOSOMAL RECESSIVE 10. Identifiers: Orphanet 140922, MedGen C1837342, MONDO:0012127, OMIM 608807.
Dilated cardiomyopathy 1G (CMD1G). Identifiers: Orphanet 154, MedGen C1858763, MONDO:0011400, OMIM 604145.

Allele frequency attached by ClinVar (database versions not stated): gnomAD exomes 0.00002 and 0.00010; ExAC 0.00004; gnomAD 0.00004 and 0.00005; TOPMed 0.00006; ESP Exome Variant Server 0.00008.
gnomAD v4.1: 166 of 1,613,660 alleles (0.01%); highest among the groups gnomAD compares: Non-Finnish European, 0.013%; 1 homozygote.

Submissions (2):

CeGaT Center for Human Genetics Tuebingen
Classification: Likely benign. Last evaluated: 2025-12-01. Review status: criteria provided, single submitter. Criteria: CeGaT Center For Human Genetics Tuebingen Variant Classification Criteria Version 2. Collection method: clinical testing. Allele origin: germline. Affected: yes. Observed: 1 variant allele.
Comment: TTN: BP4, BP7

Labcorp Genetics (formerly Invitae), Labcorp
Classification: Likely benign for Dilated cardiomyopathy 1G; Autosomal recessive limb-girdle muscular dystrophy type 2J. Last evaluated: 2025-11-22. Review status: criteria provided, single submitter. Criteria: Invitae Variant Classification Sherloc (09022015). Collection method: clinical testing. Allele origin: germline.

NM_001267550.2(TTN):c.11076C>T (p.Thr3692=)

Gene: TTN (titin; minus strand). Cytogenetic location: 2q31.2.
Variant type: single nucleotide variant.
Coding change: c.11076C>T on transcript NM_001267550.2 (MANE Select); coding-DNA position 11076, C replaced by T.
Protein change: p.Thr3692=; no amino-acid change (threonine 3692 retained).
Molecular consequence: synonymous variant. On other transcripts: intron variant (5).
Genome position (GRCh38, 1-based): chr2:178,756,400, G>A on the plus strand (C>T on the coding strand, the complement: TTN is on the minus strand). VCF-style: chr2-178756400-G-A. GRCh37 (hg19) VCF-style: chr2-179621127-G-A.
Other names: c.10563C>T, p.Thr3521= (NM_133437.4); c.10165+2584C>T (NM_003319.4); c.10540+1142C>T (NM_133432.3); c.10303+2584C>T (NM_133378.4, NM_001256850.1, NM_133379.5).
Identifiers: ClinVar variation 698574 (VCV000698574.16), dbSNP rs201396224, ClinGen allele CA2003994.